The following is an entry in ClinVar:

ClinVar aggregate classification (germline): Uncertain significance (1 of 4 stars; one submission).

Allele frequency attached by ClinVar (database versions not stated): gnomAD exomes below 0.00001.
gnomAD v4.1: 2 of 1,614,070 alleles (0.00012%); highest among the groups gnomAD compares: Non-Finnish European, 0.00017%; no homozygotes.

Submission:

Labcorp Genetics (formerly Invitae), Labcorp
Classification: Uncertain significance. Last evaluated: 2024-01-04. Review status: criteria provided, single submitter. Criteria: Invitae Variant Classification Sherloc (09022015). Collection method: clinical testing. Allele origin: germline.
Comment: This sequence change replaces methionine, which is neutral and non-polar, with threonine, which is neutral and polar, at codon 218 of the GABRB1 protein (p.Met218Thr). This variant is not present in population databases (gnomAD no frequency). This variant has not been reported in the literature in individuals affected with GABRB1-related conditions. Advanced modeling of protein sequence and biophysical properties (such as structural, functional, and spatial information, amino acid conservation, physicochemical variation, residue mobility, and thermodynamic stability) performed at Invitae indicates that this missense variant is not expected to disrupt GABRB1 protein function with a negative predictive value of 80%. In summary, the available evidence is currently insufficient to determine the role of this variant in disease. Therefore, it has been classified as a Variant of Uncertain Significance.

NM_000812.4(GABRB1):c.653T>C (p.Met218Thr)

Gene: GABRB1 (gamma-aminobutyric acid type A receptor subunit beta1; plus strand). Cytogenetic location: 4p12.
Variant type: single nucleotide variant.
Coding change: c.653T>C on transcript NM_000812.4 (MANE Select); coding-DNA position 653, T replaced by C.
Protein change: p.Met218Thr; replaces methionine 218 with threonine.
Molecular consequence: missense variant.
Genome position (GRCh38, 1-based): chr4:47,403,426, T>C. VCF-style: chr4-47403426-T-C. GRCh37 (hg19) VCF-style: chr4-47405443-T-C.
Other names: short protein forms M218T.
Identifiers: ClinVar variation 2707575 (VCV002707575.3), dbSNP rs2475459983, ClinGen allele CA356810442.